The following is an entry in ClinVar:

NM_001126128.2(PROK2):c.237T>A (p.Asn79Lys)

Gene: PROK2 (prokineticin 2; minus strand). Cytogenetic location: 3p13.
Variant type: single nucleotide variant.
Coding change: c.237T>A on transcript NM_001126128.2 (MANE Select); coding-DNA position 237, T replaced by A.
Protein change: p.Asn79Lys; replaces asparagine 79 with lysine.
Molecular consequence: missense variant. On other transcripts: intron variant (1).
Genome position (GRCh38, 1-based): chr3:71,774,493, A>T on the plus strand (T>A on the coding strand, the complement: PROK2 is on the minus strand). VCF-style: chr3-71774493-A-T. GRCh37 (hg19) VCF-style: chr3-71823644-A-T.
Other names: c.223-1665T>A (NM_021935.4); short protein forms N79K.
Identifiers: ClinVar variation 5002363 (VCV005002363.1).
Genomic context (GRCh38, chr3:71,774,493, plus strand): 5'-CATTCTTCTTACCTCCTTTTTCCTTTTGCTTCTCTTCCTCTTTCTTCTTTCCTGCCTTCC[A>T]TTTCCAAAATTGTTCTGGAAGGGCCAGGGAGACGATTGAGATCAATAAATACAAAGGGAA-3'
Protein context (NP_001119600.1, residues 69-89): HPLTRKNNFG[Asn79Lys]GRQERRKRKR

ClinVar aggregate classification (germline): Uncertain significance (1 of 4 stars; one submission).

Conditions:
PROK2-related disorder. Also called: PROK2-related condition.

gnomAD v4.1: 18 of 1,550,756 alleles (0.0012%); highest among the groups gnomAD compares: Non-Finnish European, 0.0016%; no homozygotes.

Submission:

PreventionGenetics, part of Exact Sciences
Classification: Uncertain significance for PROK2-related condition. Last evaluated: 2025-04-28. Review status: criteria provided, single submitter. Criteria: ACMG Guidelines, 2015. Collection method: clinical testing. Allele origin: germline.
Comment: The PROK2 c.237T>A variant is predicted to result in the amino acid substitution p.Asn79Lys. To our knowledge, this variant has not been reported in the literature. This variant is reported in 0.0065% of alleles in individuals of European (Non-Finnish) descent in gnomAD. At this time, the clinical significance of this variant is uncertain due to the absence of conclusive functional and genetic evidence.